The following is an entry in ClinVar:

ClinVar aggregate classification (germline): Pathogenic. Review status: criteria provided, multiple submitters, no conflicts (2 of 4 stars). 2 submissions from 2 submitters: Pathogenic (2). Last evaluated 2023-06-28.

Conditions:
Hereditary cancer-predisposing syndrome. Also called: Hereditary Cancer Syndrome; Hereditary neoplastic syndrome; Neoplastic Syndromes, Hereditary; Tumor predisposition. Identifiers: Orphanet 140162, MedGen C0027672, MeSH D009386, MONDO:0015356.
Familial cancer of breast. Also called: BREAST CANCER, FAMILIAL; hereditary breast carcinoma; Hereditary breast cancer. Identifiers: Orphanet 227535, MedGen C0346153, MONDO:0016419, OMIM 114480. Disease mechanism: loss of function.

Submissions (2):

Myriad Genetics, Inc.
Classification: Pathogenic for Familial cancer of breast. Last evaluated: 2023-06-28. Review status: criteria provided, single submitter. Criteria: Myriad Autosomal Dominant, Autosomal Recessive and X-Linked Classification Criteria (2023). Collection method: clinical testing. Allele origin: unknown.
Comment: This variant is considered pathogenic. This variant creates a frameshift predicted to result in premature protein truncation.

Ambry Genetics
Classification: Pathogenic for Hereditary cancer-predisposing syndrome. Last evaluated: 2021-04-12. Review status: criteria provided, single submitter. Criteria: Ambry Variant Classification Scheme 2023. Collection method: clinical testing. Allele origin: germline.
Comment: The c.1281_1284delCTCT pathogenic mutation, located in coding exon 11 of the CHEK2 gene, results from a deletion of 4 nucleotides at nucleotide positions 1281 to 1284, causing a translational frameshift with a predicted alternate stop codon (p.F427Lfs*9). This alteration is expected to result in loss of function by premature protein truncation or nonsense-mediated mRNA decay. As such, this alteration is interpreted as a disease-causing mutation.

NM_007194.4(CHEK2):c.1281_1284del (p.Phe427fs)

Gene: CHEK2 (checkpoint kinase 2; minus strand). Cytogenetic location: 22q12.1.
Variant type: Deletion.
Coding change: c.1281_1284del on transcript NM_007194.4 (MANE Select); coding-DNA positions 1281 to 1284, 4 bases deleted (CTCT; older notation c.1281_1284delCTCT).
Protein change: p.Phe427fs; shifts the reading frame from phenylalanine 427.
Molecular consequence: frameshift variant.
Genome position (GRCh38, 1-based): chr22:28,695,218-28,695,221, AGAG deleted on the plus strand (CTCT on the coding strand, the reverse complement: CHEK2 is on the minus strand); deleting any 4 consecutive bases within chr22:28,695,218-28,695,222 gives the same sequence; the c. name uses the placement nearest the transcript's 3' end. VCF-style (leftmost placement, unchanged base first): chr22-28695217-CAGAG-C. GRCh37 (hg19) VCF-style: chr22-29091205-CAGAG-C.
Other names: c.1409_1412delTCTC, p.Phe470Leufs (NM_001005735.3); c.617_620delTCTC, p.Phe206Leufs (NM_001257387.3); c.1079_1082delTCTC, p.Phe360Leufs (NM_001349956.3); c.1193_1196delTCTC, p.Phe398Leufs (NM_145862.3); short protein forms F206fs, F427fs, F470fs, F360fs, F398fs.
Identifiers: ClinVar variation 1767913 (VCV001767913.4), dbSNP rs2052523075, ClinGen allele CA1024878109.
Genomic context (GRCh38, chr22:28,695,217, plus strand): 5'-GAATGAAGTTGTATTTTCCACTGGTGATCTGATCCTTCAGTGACACTTGAGTCCTATGCT[CAGAG>C]AAAGGTGGATACCCACTAAGGCTTAATATTGGTAGAGAGAGAAAGGAAAAGAAATCAAGT-3'